The following is an entry in ClinVar:

NM_000478.6(ALPL):c.998-2A>G

Gene: ALPL (alkaline phosphatase, biomineralization associated; plus strand). Cytogenetic location: 1p36.12.
Variant type: single nucleotide variant.
Coding change: c.998-2A>G on transcript NM_000478.6 (MANE Select); the canonical splice acceptor site of the intron before coding-DNA position 998, A replaced by G.
Molecular consequence: splice acceptor variant.
Genome position (GRCh38, 1-based): chr1:21,575,731, A>G. VCF-style: chr1-21575731-A-G. GRCh37 (hg19) VCF-style: chr1-21902224-A-G.
Other names: c.998-2A>G (NM_001369805.2, NM_001369804.2, NM_001369803.2); c.833-2A>G (NM_001127501.4); c.767-2A>G (NM_001177520.3).
Identifiers: ClinVar variation 370603 (VCV000370603.7), dbSNP rs1057516622, ClinGen allele CA16040721.
Genomic context (GRCh38, chr1:21,575,731, plus strand): 5'-GGCTGGGGAGCAGATCTTCCTCCCCTCCTCCCTCACCGAGGCCTTTGCCTTGGTGTCCCA[A>G]GGAGGCAGAATTGACCACGGGCACCATGAAGGAAAAGCCAAGCAGGCCCTGCATGAGGCG-3'

ClinVar aggregate classification (germline): Likely pathogenic. Review status: criteria provided, multiple submitters, no conflicts (2 of 4 stars). 3 submissions from 3 submitters: Likely pathogenic (2). 1 of the submissions does not count toward it. Last evaluated 2023-10-06.

Conditions:
ALPL-related disorder. Also called: ALPL-related condition; ALPL-related disorders.
Infantile hypophosphatasia. Identifiers: Orphanet 247651, Orphanet 436, MedGen C0268412, MONDO:1010169, OMIM 241500, MONDO:0009427.

Allele frequency attached by ClinVar (database versions not stated): TOPMed below 0.00001.
gnomAD v4.1: 2 of 1,614,008 alleles (0.00012%); highest among the groups gnomAD compares: Admixed American, 0.0017%; no homozygotes.

Submissions (3):

Labcorp Genetics (formerly Invitae), Labcorp
Classification: Likely pathogenic. Last evaluated: 2023-10-06. Review status: criteria provided, single submitter. Criteria: Invitae Variant Classification Sherloc (09022015). Collection method: clinical testing. Allele origin: germline.
Comment: This sequence change affects an acceptor splice site in intron 9 of the ALPL gene. It is expected to disrupt RNA splicing. Variants that disrupt the donor or acceptor splice site typically lead to a loss of protein function (PMID: 16199547), and loss-of-function variants in ALPL are known to be pathogenic (PMID: 3174660, 10679946, 32973344, 33814268). This variant is not present in population databases (gnomAD no frequency). This variant has not been reported in the literature in individuals affected with ALPL-related conditions. ClinVar contains an entry for this variant (Variation ID: 370603). Algorithms developed to predict the effect of sequence changes on RNA splicing suggest that this variant may disrupt the consensus splice site. In summary, the currently available evidence indicates that the variant is pathogenic, but additional data are needed to prove that conclusively. Therefore, this variant has been classified as Likely Pathogenic.

Blueprint Genetics
Classification: Likely pathogenic for ALPL-related disorders. Last evaluated: 2020-06-26. Review status: criteria provided, single submitter. Criteria: ACMG Guidelines, 2015. Collection method: clinical testing. Allele origin: germline. Affected: yes. Observed: 2 variant alleles.

Counsyl
Classification: Likely pathogenic for Infantile hypophosphatasia. Last evaluated: 2016-03-09. Review status: no assertion criteria provided. Collection method: clinical testing. Allele origin: unknown. Not counted in ClinVar's aggregate classification.

Literature cited by the submitters: PubMed 16199547 (cited by Labcorp Genetics (formerly Invitae), Labcorp); PubMed 3174660 (cited by Labcorp Genetics (formerly Invitae), Labcorp); PubMed 10679946 (cited by Labcorp Genetics (formerly Invitae), Labcorp); PubMed 32973344 (cited by Labcorp Genetics (formerly Invitae), Labcorp); PubMed 33814268 (cited by Labcorp Genetics (formerly Invitae), Labcorp).